The following is an entry in ClinVar:

NM_006015.6(ARID1A):c.1619C>G (p.Thr540Arg)

Gene: ARID1A (AT-rich interaction domain 1A; plus strand). Cytogenetic location: 1p36.11.
Variant type: single nucleotide variant.
Coding change: c.1619C>G on transcript NM_006015.6 (MANE Select); coding-DNA position 1619, C replaced by G.
Protein change: p.Thr540Arg; replaces threonine 540 with arginine.
Molecular consequence: missense variant.
Genome position (GRCh38, 1-based): chr1:26,731,420, C>G. VCF-style: chr1-26731420-C-G. GRCh37 (hg19) VCF-style: chr1-27057911-C-G.
Other names: c.1619C>G, p.Thr540Arg (NM_139135.4); short protein forms T540R.
Identifiers: ClinVar variation 1702768 (VCV001702768.3), dbSNP rs892173376, ClinGen allele CA19669027.

ClinVar aggregate classification (germline): Uncertain significance. Review status: criteria provided, multiple submitters, no conflicts (2 of 4 stars). 2 submissions from 2 submitters: Uncertain significance (2). Last evaluated 2026-07-01.

gnomAD v4.1: 2 of 1,613,926 alleles (0.00012%); highest among the groups gnomAD compares: Non-Finnish European, 0.00017%; no homozygotes.

Submissions (2):

CeGaT Center for Human Genetics Tuebingen
Classification: Uncertain significance. Last evaluated: 2026-07-01. Review status: criteria provided, single submitter. Criteria: CeGaT Center For Human Genetics Tuebingen Variant Classification Criteria Version 2. Collection method: clinical testing. Allele origin: germline. Affected: yes. Observed: 1 variant allele.

GeneDx
Classification: Uncertain significance. Last evaluated: 2022-02-17. Review status: criteria provided, single submitter. Criteria: GeneDx Variant Classification Process June 2021. Collection method: clinical testing. Allele origin: germline. Affected: yes.
Comment: Not observed at significant frequency in large population cohorts (gnomAD); In silico analysis supports that this missense variant does not alter protein structure/function; Has not been previously published as pathogenic or benign to our knowledge